The following is an entry in ClinVar:

NM_000179.3(MSH6):c.3647-6T>A

Gene: MSH6 (mutS homolog 6; plus strand). Cytogenetic location: 2p16.3.
Variant type: single nucleotide variant.
Coding change: c.3647-6T>A on transcript NM_000179.3 (MANE Select); 6 bases into the intron before coding-DNA position 3647, T replaced by A.
Molecular consequence: intron variant.
Genome position (GRCh38, 1-based): chr2:47,806,198, T>A. VCF-style: chr2-47806198-T-A. GRCh37 (hg19) VCF-style: chr2-48033337-T-A.
Other names: IVS7-6T>A; c.2741-6T>A (NM_001281493.2, NM_001281494.2); c.3257-6T>A (NM_001281492.2).
Identifiers: ClinVar variation 127588 (VCV000127588.43), dbSNP rs182871847, ClinGen allele CA013707.

ClinVar aggregate classification (germline): Conflicting classifications of pathogenicity. Review status: criteria provided, conflicting classifications (1 of 4 stars). 19 submissions from 19 submitters: Uncertain significance (1); Benign (8); Likely benign (6). 4 of the submissions do not count toward it. Last evaluated 2026-02-03.

Conditions:
MSH6-related disorder. Also called: MSH6-Related disorders; MSH6-related condition.
Hereditary cancer-predisposing syndrome. Also called: Hereditary neoplastic syndrome; Tumor predisposition; Neoplastic Syndromes, Hereditary; Hereditary Cancer Syndrome. Identifiers: Orphanet 140162, MedGen C0027672, MeSH D009386, MONDO:0015356.
Hereditary nonpolyposis colorectal neoplasms. Identifiers: MedGen C0009405, MeSH D003123.
Lynch syndrome. Identifiers: Orphanet 144, MedGen C4552100, MONDO:0005835. Disease mechanism: loss of function.
Lynch syndrome 5 (LYNCH5). Also called: Colorectal cancer, hereditary nonpolyposis, type 5; Hereditary non-polyposis colorectal cancer, type 5. Identifiers: Orphanet 144, MedGen C1833477, MONDO:0013710, OMIM 614350. Disease mechanism: loss of function.
Endometrial carcinoma. Also called: Endometrial carcinoma, somatic. Identifiers: MedGen C0476089, MONDO:0002447, OMIM 608089, HP:0012114.

Allele frequency attached by ClinVar (database versions not stated): ESP Exome Variant Server 0.00092; gnomAD 0.00134; TOPMed 0.00142; 1000 Genomes Project 0.00160; 1000 Genomes Project 30x 0.00187.
gnomAD v4.1: 371 of 1,613,734 alleles (0.023%); highest among the groups gnomAD compares: African/African-American, 0.4%; no homozygotes.

Submissions (20):

Labcorp Genetics (formerly Invitae), Labcorp
Classification: Benign for Hereditary nonpolyposis colorectal neoplasms. Last evaluated: 2026-02-03. Review status: criteria provided, single submitter. Criteria: Invitae Variant Classification Sherloc (09022015). Collection method: clinical testing. Allele origin: germline.

Dasa
Classification: Benign. Last evaluated: 2026-01-29. Review status: criteria provided, single submitter. Criteria: DASA Assertion Criteria. Collection method: clinical testing. Allele origin: germline.
Comment: NM_000179.3(MSH6):c.3647-6T>A is a splice-region variant. Population frequency is inconsistent with a disease-causing role for this variant. Therefore, based on the currently available evidence, this variant is classified as benign.

Quest Diagnostics Nichols Institute San Juan Capistrano
Classification: Benign. Last evaluated: 2025-09-03. Review status: criteria provided, single submitter. Criteria: Quest Diagnostics criteria. Collection method: clinical testing. Allele origin: unknown.

Center for Genomic Medicine, Rigshospitalet, Copenhagen University Hospital
Classification: Benign. Last evaluated: 2025-03-04. Review status: criteria provided, single submitter. Criteria: ACMG Guidelines, 2015. Collection method: clinical testing. Allele origin: germline.

Myriad Genetics, Inc.
Classification: Benign for Lynch syndrome 5. Last evaluated: 2025-01-07. Review status: criteria provided, single submitter. Criteria: Myriad Autosomal Dominant, Autosomal Recessive and X-Linked Classification Criteria (2023). Collection method: clinical testing. Allele origin: unknown.
Comment: This variant is considered benign. This variant is intronic and is not expected to impact mRNA splicing. This variant has been observed at a population frequency that is significantly greater than expected given the associated disease prevalence and penetrance. This variant is strongly associated with less severe personal and family histories of cancer, typical for individuals without pathogenic variants in this gene [PMID: 27363726].

Blueprint Genetics
Classification: Likely benign. Last evaluated: 2024-11-22. Review status: criteria provided, single submitter. Criteria: ACMG Guidelines, 2015. Collection method: clinical testing. Allele origin: germline.

Institute for Biomarker Research, Medical Diagnostic Laboratories, L.L.C.
Classification: Benign for Hereditary cancer-predisposing syndrome. Last evaluated: 2024-04-09. Review status: criteria provided, single submitter. Criteria: ACMG Guidelines, 2015. Collection method: clinical testing. Allele origin: germline.

All of Us Research Program, National Institutes of Health
Classification: Likely benign for Lynch syndrome. Last evaluated: 2024-02-05. Review status: criteria provided, single submitter. Criteria: ACMG Guidelines, 2015. Collection method: clinical testing. Allele origin: germline. Inheritance: Autosomal dominant inheritance. Observed: 85 variant alleles, 85 heterozygotes.
Comment: This study involves interpretation of variants in research participants for the purpose of population health screening. Participant phenotype was not available at the time of variant classification. Additional details can be found in publication PMID: 35346344, PMCID: PMC8962531

ARUP Laboratories, Molecular Genetics and Genomics, ARUP Laboratories
Classification: Likely benign. Last evaluated: 2023-08-17. Review status: criteria provided, single submitter. Criteria: ARUP Molecular Germline Variant Investigation Process 2024. Collection method: clinical testing. Allele origin: germline.

Sema4
Classification: Benign for Hereditary cancer-predisposing syndrome. Last evaluated: 2020-10-23. Review status: criteria provided, single submitter. Criteria: Sema4 Curation Guidelines. Collection method: curation. Allele origin: germline.

Illumina Laboratory Services, Illumina
Classification: Uncertain significance for Lynch syndrome 5. Last evaluated: 2019-10-28. Review status: criteria provided, single submitter. Criteria: ICSL Variant Classification Criteria 13 December 2019. Collection method: clinical testing. Allele origin: germline.
Comment: This variant was observed as part of a predisposition screen in an ostensibly healthy population. A literature search was performed for the gene, cDNA change, and amino acid change (where applicable). Publications were found based on this search. However, the evidence from the literature, in combination with allele frequency data from public databases where available, was not sufficient to rule this variant in or out of causing disease. Therefore, this variant is classified as a variant of unknown significance.

Genetic Services Laboratory, University of Chicago
Classification: Likely benign. Last evaluated: 2019-07-12. Review status: criteria provided, single submitter. Criteria: ACMG Guidelines, 2015. Collection method: clinical testing. Allele origin: germline. Affected: no.

GeneDx
Classification: Likely benign. Last evaluated: 2017-09-28. Review status: criteria provided, single submitter. Criteria: GeneDx Variant Classification (06012015). Collection method: clinical testing. Allele origin: germline. Affected: yes.
Comment: This variant is considered likely benign or benign based on one or more of the following criteria: it is a conservative change, it occurs at a poorly conserved position in the protein, it is predicted to be benign by multiple in silico algorithms, and/or has population frequency not consistent with disease.

Women's Health and Genetics/Laboratory Corporation of America, LabCorp
Classification: Benign. Last evaluated: 2016-10-06. Review status: criteria provided, single submitter. Criteria: LabCorp Variant Classification Summary - May 2015. Collection method: clinical testing. Allele origin: germline.
Comment: Variant summary: The MSH6 c.3647-6T>A variant involves the alteration of a non-conserved intronic nucleotide with 4/5 splice prediction tools predict no significant impact on normal splicing, which a reputable database reports in vitro and ex vivo analyses that support these predictions. The variant of interest was observed in the large, broad control population, ExAC, with an allele frequency of 47/120200 (1/2557), predominantly in the African cohort, 42/10262 (1/244), which exceeds the estimated maximal expected allele frequency for a pathogenic MSH6 variant of 1/7037. Therefore, suggesting this is likely a benign polymorphism found primarily in population(s) of African origin. The variant of interest has been reported by multiple clinical diagnostic laboratories/databases with conflicting classifications "Benign/Likely Benign/Uncertain Significance." Therefore, taking all available lines of evidence into consideration, the variant of interest has been classified as Benign.

Color Diagnostics, LLC DBA Color Health
Classification: Likely benign for Hereditary cancer-predisposing syndrome. Last evaluated: 2015-04-07. Review status: criteria provided, single submitter. Criteria: ACMG Guidelines, 2015. Collection method: clinical testing. Allele origin: germline.

PreventionGenetics, part of Exact Sciences
Classification: Likely benign for MSH6-related condition. Last evaluated: 2024-05-30. Review status: no assertion criteria provided. Collection method: clinical testing. Allele origin: germline. Not counted in ClinVar's aggregate classification.
Comment: This variant is classified as likely benign based on ACMG/AMP sequence variant interpretation guidelines (Richards et al. 2015 PMID: 25741868, with internal and published modifications).

True Health Diagnostics
Classification: Uncertain significance for Hereditary cancer-predisposing syndrome. Last evaluated: 2018-02-20. Review status: no assertion criteria provided. Collection method: clinical testing. Allele origin: germline. Not counted in ClinVar's aggregate classification.

Counsyl
Classification: Likely benign for Lynch syndrome 5. Last evaluated: 2017-05-04. Review status: no assertion criteria provided. Collection method: clinical testing. Allele origin: unknown. Not counted in ClinVar's aggregate classification.

Department of Pathology and Laboratory Medicine, Sinai Health System
Classification: Likely benign for Endometrial carcinoma. Review status: no assertion criteria provided. Collection method: clinical testing. Allele origin: unknown. Affected: yes. Study: The Canadian Open Genetics Repository (COGR). Not counted in ClinVar's aggregate classification.
Comment: The MSH6 c.3647-6T>A variant was not identified in the literature. The variant was identified in dbSNP (ID: rs182871847) as "With Likely benign, other allele", ClinVar (classified as benign by Invitae and two clinical laboratories; as likely benign by GeneDx, Color and Councyl; as uncertain significance by two submitters), and in UMD-LSDB (1x as likely neutral). The variant was identified in control databases in 117 of 276924 chromosomes at a frequency of 0.0004 increasing the likelihood this could be a low frequency benign variant (Genome Aggregation Database Feb 27, 2017). The variant was observed in the following populations: African in 107 of 24034 chromosomes (freq: 0.005), Other in 1 of 6444 chromosomes (freq: 0.0002), Latino in 9 of 34364 chromosomes (freq: 0.0003), while the variant was not observed in the European, Ashkenazi Jewish, East Asian, Finnish, and South Asian populations. The c.3647-6T>A variant is located in the 3' splice region but does not affect the invariant -1 and -2 positions. However, positions -3 and -5 to -12 are part of the splicing consensus sequence and variants involving these positions sometimes affect splicing. In addition, 2 of 4 in silico or computational prediction software programs (SpliceSiteFinder, MaxEntScan, NNSPLICE, GeneSplicer) predict a greater than 10% difference in splicing. In summary, based on the above information the clinical significance of this variant cannot be determined with certainty at this time although we would lean towards a more benign role for this variant. This variant is classified as likely benign.

Dr. Peter K. Rogan Lab, Western University
No classification provided (evidence only). Condition: Uterine corpus endometrial carcinoma. Review status: no classification provided. Collection method: in vitro. Allele origin: not applicable. Functional consequence: retained intron. Not counted in ClinVar's aggregate classification.

Literature cited by the submitters: PubMed 34326862 (cited by Quest Diagnostics Nichols Institute San Juan Capistrano); PubMed 35534704 (cited by Quest Diagnostics Nichols Institute San Juan Capistrano); PubMed 18809606 (cited by 3 submitters); PubMed 27363726 (cited by Myriad Genetics, Inc.); PubMed 18566915 (cited by Illumina Laboratory Services, Illumina).